The following is an entry in ClinVar:

NM_004603.4(STX1A):c.745T>A (p.Ser249Thr)

Gene: STX1A (syntaxin 1A; minus strand). Cytogenetic location: 7q11.23.
Variant type: single nucleotide variant.
Coding change: c.745T>A on transcript NM_004603.4 (MANE Select); coding-DNA position 745, T replaced by A.
Protein change: p.Ser249Thr; replaces serine 249 with threonine.
Molecular consequence: missense variant. On other transcripts: nonsense (1).
Genome position (GRCh38, 1-based): chr7:73,700,774, A>T on the plus strand (T>A on the coding strand, the complement: STX1A is on the minus strand). VCF-style: chr7-73700774-A-T. GRCh37 (hg19) VCF-style: chr7-73115104-A-T.
Other names: c.699T>A, p.Cys233Ter (NM_001165903.2); short protein forms C233*, S249T.
Identifiers: ClinVar variation 4980025 (VCV004980025.1).

ClinVar aggregate classification (germline): Uncertain significance (1 of 4 stars; one submission).

Conditions:
STX1A-related disorder. Also called: STX1A-related condition.

Submission:

PreventionGenetics, part of Exact Sciences
Classification: Uncertain significance for STX1A-related condition. Last evaluated: 2026-07-24. Review status: criteria provided, single submitter. Criteria: ACMG Guidelines, 2015. Collection method: clinical testing. Allele origin: germline.
Comment: The STX1A c.699T>A variant is predicted to result in premature protein termination (p.Cys233*). Note that on the primary transcript listed in the Human Gene Mutation Database (NM_004603.4), this variant results in an amino acid change (p.Ser249Thr). To our knowledge, this variant has not been reported in the literature or in a large population database (gnomAD), indicating this variant is rare. At this time, the clinical significance of this variant is uncertain due to the absence of conclusive functional and genetic evidence.